The following is an entry in ClinVar:

ClinVar aggregate classification (germline): Uncertain significance (1 of 4 stars; one submission).

gnomAD v4.1: 1 of 1,614,030 alleles (0.000062%); no homozygotes.

Submission:

GeneDx
Classification: Uncertain significance. Last evaluated: 2019-04-08. Review status: criteria provided, single submitter. Criteria: GeneDx Variant Classification Process June 2021. Collection method: clinical testing. Allele origin: germline. Affected: yes.
Comment: Not observed in large population cohorts (Lek et al., 2016); In silico analysis, which includes protein predictors and evolutionary conservation, supports a deleterious effect; Has not been previously published as pathogenic or benign to our knowledge

NM_001365088.1(SLC12A6):c.107G>A (p.Ser36Asn)

Gene: SLC12A6 (solute carrier family 12 member 6; minus strand). Cytogenetic location: 15q14.
Variant type: single nucleotide variant.
Coding change: c.107G>A on transcript NM_001365088.1 (MANE Select); coding-DNA position 107, G replaced by A.
Protein change: p.Ser36Asn; replaces serine 36 with asparagine.
Molecular consequence: missense variant. On other transcripts: 5 prime UTR variant (2).
Genome position (GRCh38, 1-based): chr15:34,336,574, C>T on the plus strand (G>A on the coding strand, the complement: SLC12A6 is on the minus strand). VCF-style: chr15-34336574-C-T. GRCh37 (hg19) VCF-style: chr15-34628775-C-T.
Other names: c.-71G>A (NM_001042494.2, NM_001042495.2); c.80G>A, p.Ser27Asn (NM_001042496.2); c.107G>A, p.Ser36Asn (NM_001042497.2, NM_133647.2); short protein forms S27N, S36N.
Identifiers: ClinVar variation 1182566 (VCV001182566.2), dbSNP rs2141212975, ClinGen allele CA391621684.